The following is an entry in ClinVar:

NM_144599.5(NIPA1):c.623del (p.Gly208fs)

Gene: NIPA1 (NIPA magnesium transporter 1; plus strand). Cytogenetic location: 15q11.2.
Variant type: Deletion.
Coding change: c.623del on transcript NM_144599.5 (MANE Select); coding-DNA position 623, one base deleted (G; older notation c.623delG).
Protein change: p.Gly208fs; shifts the reading frame from glycine 208.
Molecular consequence: frameshift variant.
Genome position (GRCh38, 1-based): chr15:22,823,872, G deleted; the last of 3 consecutive G bases (chr15:22,823,870-22,823,872); deleting any one gives the same sequence. VCF-style (leftmost placement, unchanged base first): chr15-22823869-AG-A. GRCh37 (hg19) VCF-style: chr15-23049195-GC-G.
Other names: c.398del, p.Gly133fs (NM_001142275.1); short protein forms G133fs, G208fs.
Identifiers: ClinVar variation 3383625 (VCV003383625.1).

ClinVar aggregate classification (germline): Uncertain significance (1 of 4 stars; one submission).

Submission:

GeneDx
Classification: Uncertain significance. Last evaluated: 2024-05-22. Review status: criteria provided, single submitter. Criteria: GeneDx Variant Classification Process June 2021. Collection method: clinical testing. Allele origin: germline. Affected: yes.
Comment: Not observed at significant frequency in large population cohorts (gnomAD); Has not been previously published as pathogenic or benign to our knowledge; Frameshift variant predicted to result in abnormal protein length as the last 122 amino acids are replaced with 113 different amino acids in a gene for which loss-of-function is not an established mechanism of disease